The following is an entry in ClinVar:

ClinVar aggregate classification (germline): Likely pathogenic (1 of 4 stars; one submission).

Submission:

Greenwood Genetic Center Diagnostic Laboratories, Greenwood Genetic Center
Classification: Likely pathogenic. Last evaluated: 2020-11-13. Review status: criteria provided, single submitter. Criteria: ACMG Guidelines, 2015. Collection method: clinical testing. Allele origin: germline. Affected: yes.
Comment: PVS1, PM2

NM_004586.3(RPS6KA3):c.212dup (p.Leu71fs)

Gene: RPS6KA3 (ribosomal protein S6 kinase A3; minus strand). Cytogenetic location: Xp22.12.
Variant type: Duplication.
Coding change: c.212dup on transcript NM_004586.3 (MANE Select); coding-DNA position 212, one base duplicated (T; older notation c.212dupT).
Protein change: p.Leu71fs; shifts the reading frame from leucine 71.
Molecular consequence: frameshift variant.
Genome position (GRCh38, 1-based): chrX:20,209,319, A duplicated on the plus strand (T on the coding strand, the reverse complement: RPS6KA3 is on the minus strand); the first of 4 consecutive A bases (chrX:20,209,319-20,209,322); duplicating any one gives the same sequence. VCF-style (leftmost placement, unchanged base first): chrX-20209318-T-TA. GRCh37 (hg19) VCF-style: chrX-20227436-T-TA.
Other names: short protein forms L71fs.
Identifiers: ClinVar variation 1331514 (VCV001331514.4), dbSNP rs2148732123, ClinGen allele CA2573055204.